The following is an entry in ClinVar:

NM_139027.6(ADAMTS13):c.305G>A (p.Arg102His)

Gene: ADAMTS13 (ADAM metallopeptidase with thrombospondin type 1 motif 13; plus strand). Cytogenetic location: 9q34.2.
Variant type: single nucleotide variant.
Coding change: c.305G>A on transcript NM_139027.6 (MANE Select); coding-DNA position 305, G replaced by A.
Protein change: p.Arg102His; replaces arginine 102 with histidine.
Molecular consequence: missense variant. On other transcripts: non-coding transcript variant (1).
Genome position (GRCh38, 1-based): chr9:133,424,453, G>A. VCF-style: chr9-133424453-G-A. GRCh37 (hg19) VCF-style: chr9-136289573-G-A.
Other names: p.Arg102His; c.305G>A, p.Arg102His (NM_139025.5, NM_139026.6); short protein forms R102H.
Identifiers: ClinVar variation 2683660 (VCV002683660.6), dbSNP rs782716712, ClinGen allele CA200880293.
Genomic context (GRCh38, chr9:133,424,453, plus strand): 5'-TGGAGCTGCTGGTGGCCGTGGGCCCCGATGTCTTCCAGGCTCACCAGGAGGACACAGAGC[G>A]CTATGTGCTCACCAACCTCAACATCGTGAGTGCCCCACGCTGGACTGTGCAGGTCCCCAC-3'
Protein context (NP_620596.2, residues 92-112): VFQAHQEDTE[Arg102His]YVLTNLNIGA

ClinVar aggregate classification (germline): Pathogenic/Likely pathogenic. Review status: criteria provided, multiple submitters, no conflicts (2 of 4 stars). 4 submissions from 4 submitters: Pathogenic (1); Likely pathogenic (3). Last evaluated 2025-11-15.

Conditions:
Upshaw-Schulman syndrome (TTP). Also called: Congenital thrombotic thrombocytopenic purpura; THROMBOTIC THROMBOCYTOPENIC PURPURA, HEREDITARY. Identifiers: Orphanet 93583, MedGen C1268935, MONDO:0010122, OMIM 274150.
ADAMTS13-related disorder. Also called: ADAMTS13-related condition.

Allele frequency attached by ClinVar (database versions not stated): ExAC 0.00003; TOPMed 0.00006; gnomAD 0.00007; gnomAD exomes 0.00010.
gnomAD v4.1: 161 of 1,613,698 alleles (0.01%); highest among the groups gnomAD compares: Non-Finnish European, 0.013%; no homozygotes.

Submissions (4):

Labcorp Genetics (formerly Invitae), Labcorp
Classification: Likely pathogenic. Last evaluated: 2025-11-15. Review status: criteria provided, single submitter. Criteria: Invitae Variant Classification Sherloc (09022015). Collection method: clinical testing. Allele origin: germline.
Comment: This sequence change replaces arginine, which is basic and polar, with histidine, which is basic and polar, at codon 102 of the ADAMTS13 protein (p.Arg102His). This variant is present in population databases (rs782716712, gnomAD 0.008%). This missense change has been observed in individuals with thrombotic thrombocytopenic purpura (PMID: 22783805, 30792199). ClinVar contains an entry for this variant (Variation ID: 2683660). Invitae Evidence Modeling of protein sequence and biophysical properties (such as structural, functional, and spatial information, amino acid conservation, physicochemical variation, residue mobility, and thermodynamic stability) indicates that this missense variant is not expected to disrupt ADAMTS13 protein function with a negative predictive value of 80%. Experimental studies have shown that this missense change affects ADAMTS13 function (PMID: 22783805). This variant disrupts the p.Arg102 amino acid residue in ADAMTS13. Other variant(s) that disrupt this residue have been observed in individuals with ADAMTS13-related conditions (PMID: 11586351, 30792199, 32103696), which suggests that this may be a clinically significant amino acid residue. In summary, the currently available evidence indicates that the variant is pathogenic, but additional data are needed to prove that conclusively. Therefore, this variant has been classified as Likely Pathogenic.

PreventionGenetics, part of Exact Sciences
Classification: Pathogenic for ADAMTS13-related condition. Last evaluated: 2025-03-14. Review status: criteria provided, single submitter. Criteria: ACMG Guidelines, 2015. Collection method: clinical testing. Allele origin: germline.
Comment: The ADAMTS13 c.305G>A variant is predicted to result in the amino acid substitution p.Arg102His. Functional studies demonstrated that this variant lead to a reduced secretion of ADAMTS13 of ~28–51% of that of the wild type protein. Of note, the variant protein had low but detectable enzymatic activity (Camilleri et al 2012. PubMed ID: 22783805). In addition, other variants at the same amino acid (p.Arg102Ser, p.Arg102Cys) have also been reported in patients with non-pregnancy-related thrombotic thrombocytopenic purpura (Elbaz et al. 2020. PubMed ID: 32103696; Levy et al. 2001. PubMed ID: 11586351). This variant is reported in 0.0080% of alleles in individuals of African descent in gnomAD. This variant is interpreted as pathogenic.

Fulgent Genetics
Classification: Likely pathogenic for Upshaw-Schulman syndrome. Last evaluated: 2024-02-02. Review status: criteria provided, single submitter. Criteria: ACMG Guidelines, 2015. Collection method: clinical testing. Allele origin: germline.

Mayo Clinic Laboratories, Mayo Clinic
Classification: Likely pathogenic. Last evaluated: 2022-03-30. Review status: criteria provided, single submitter. Criteria: ACMG Guidelines, 2015. Collection method: clinical testing. Allele origin: germline. Observed: 1 variant allele.
Comment: PP4, PM1, PM2_supporting, PS4_moderate

Literature cited by the submitters: PubMed 22783805 (cited by Labcorp Genetics (formerly Invitae), Labcorp and Mayo Clinic Laboratories, Mayo Clinic); PubMed 30792199 (cited by Labcorp Genetics (formerly Invitae), Labcorp); PubMed 11586351 (cited by Labcorp Genetics (formerly Invitae), Labcorp); PubMed 32103696 (cited by Labcorp Genetics (formerly Invitae), Labcorp and Mayo Clinic Laboratories, Mayo Clinic); PubMed 23346910 (cited by Mayo Clinic Laboratories, Mayo Clinic).